The following is an entry in ClinVar:

ClinVar aggregate classification (germline): Uncertain significance (1 of 4 stars; one submission).

Allele frequency attached by ClinVar (database versions not stated): gnomAD 0.00002; TOPMed 0.00002; gnomAD exomes 0.00004.
gnomAD v4.1: 60 of 1,614,040 alleles (0.0037%); highest among the groups gnomAD compares: Non-Finnish European, 0.0048%; no homozygotes.

Submission:

Labcorp Genetics (formerly Invitae), Labcorp
Classification: Uncertain significance. Last evaluated: 2024-10-24. Review status: criteria provided, single submitter. Criteria: Invitae Variant Classification Sherloc (09022015). Collection method: clinical testing. Allele origin: germline.
Comment: This sequence change replaces methionine, which is neutral and non-polar, with isoleucine, which is neutral and non-polar, at codon 229 of the ARNT2 protein (p.Met229Ile). This variant is not present in population databases (gnomAD no frequency). This variant has not been reported in the literature in individuals affected with ARNT2-related conditions. ClinVar contains an entry for this variant (Variation ID: 1524862). An algorithm developed to predict the effect of missense changes on protein structure and function (PolyPhen-2) suggests that this variant is likely to be tolerated. In summary, the available evidence is currently insufficient to determine the role of this variant in disease. Therefore, it has been classified as a Variant of Uncertain Significance.

NM_014862.4(ARNT2):c.687G>A (p.Met229Ile)

Gene: ARNT2 (aryl hydrocarbon receptor nuclear translocator 2; plus strand). Cytogenetic location: 15q25.1.
Variant type: single nucleotide variant.
Coding change: c.687G>A on transcript NM_014862.4 (MANE Select); coding-DNA position 687, G replaced by A.
Protein change: p.Met229Ile; replaces methionine 229 with isoleucine.
Molecular consequence: missense variant.
Genome position (GRCh38, 1-based): chr15:80,508,220, G>A. VCF-style: chr15-80508220-G-A. GRCh37 (hg19) VCF-style: chr15-80800561-G-A.
Other names: short protein forms M229I.
Identifiers: ClinVar variation 1524862 (VCV001524862.8), dbSNP rs973493965, ClinGen allele CA274325634.
Genomic context (GRCh38, chr15:80,508,220, plus strand): 5'-GATCTTGGACCTGAAGACTGGGACGGTCAAGAAAGAAGGGCAGCAGTCATCCATGAGGAT[G>A]TGCATGGGCTCGCGGCGGTCTTTCATCTGCAGGATGAGGTCTGTTTTGGGGGAGCAGCAG-3'
Protein context (NP_055677.3, residues 219-239): KKEGQQSSMR[Met229Ile]CMGSRRSFIC